The following is an entry in ClinVar:

ClinVar aggregate classification (germline): Uncertain significance (1 of 4 stars; one submission).

Submission:

Labcorp Genetics (formerly Invitae), Labcorp
Classification: Uncertain significance. Last evaluated: 2025-06-02. Review status: criteria provided, single submitter. Criteria: Invitae Variant Classification Sherloc (09022015). Collection method: clinical testing. Allele origin: germline.
Comment: This sequence change replaces isoleucine, which is neutral and non-polar, with asparagine, which is neutral and polar, at codon 440 of the UGT1A1 protein (p.Ile440Asn). This variant is not present in population databases (gnomAD no frequency). This variant has not been reported in the literature in individuals affected with UGT1A1-related conditions. ClinVar contains an entry for this variant (Variation ID: 3021895). Invitae Evidence Modeling of protein sequence and biophysical properties (such as structural, functional, and spatial information, amino acid conservation, physicochemical variation, residue mobility, and thermodynamic stability) indicates that this missense variant is expected to disrupt UGT1A1 protein function with a positive predictive value of 80%. In summary, the available evidence is currently insufficient to determine the role of this variant in disease. Therefore, it has been classified as a Variant of Uncertain Significance.

NM_000463.3(UGT1A1):c.1319T>A (p.Ile440Asn)

Genes: UGT1A (UDP glucuronosyltransferase family 1 member A complex locus; plus strand), UGT1A1 (UDP glucuronosyltransferase family 1 member A1; plus strand), UGT1A10 (UDP glucuronosyltransferase family 1 member A10; plus strand), UGT1A3 (UDP glucuronosyltransferase family 1 member A3; plus strand), UGT1A4 (UDP glucuronosyltransferase family 1 member A4; plus strand) and 5 more. Cytogenetic location: 2q37.1.
Variant type: single nucleotide variant.
Coding change: c.1319T>A on transcript NM_000463.3 (MANE Select); coding-DNA position 1319, T replaced by A.
Protein change: p.Ile440Asn; replaces isoleucine 440 with asparagine.
Molecular consequence: missense variant.
Genome position (GRCh38, 1-based): chr2:233,772,276, T>A. VCF-style: chr2-233772276-T-A. GRCh37 (hg19) VCF-style: chr2-234680922-T-A.
Other names: c.1310T>A, p.Ile437Asn (NM_019075.4, NM_019076.5, NM_019077.3 and 1 more transcripts); c.1316T>A, p.Ile439Asn (NM_001072.4); c.515T>A, p.Ile172Asn (NM_205862.3); c.1322T>A, p.Ile441Asn (NM_019078.2, NM_007120.3, NM_019093.4); short protein forms I439N, I441N, I437N, I172N, I440N.
Identifiers: ClinVar variation 3021895 (VCV003021895.3), dbSNP rs1575869883, ClinGen allele CA351075883.